The following is an entry in ClinVar:

NM_003036.4(SKI):c.1051A>G (p.Lys351Glu)

Gene: SKI (SKI proto-oncogene; plus strand). Cytogenetic location: 1p36.32.
Variant type: single nucleotide variant.
Coding change: c.1051A>G on transcript NM_003036.4 (MANE Select); coding-DNA position 1051, A replaced by G.
Protein change: p.Lys351Glu; replaces lysine 351 with glutamic acid.
Molecular consequence: missense variant.
Genome position (GRCh38, 1-based): chr1:2,303,059, A>G. VCF-style: chr1-2303059-A-G. GRCh37 (hg19) VCF-style: chr1-2234498-A-G.
Other names: short protein forms K351E.
Identifiers: ClinVar variation 3699911 (VCV003699911.2).

ClinVar aggregate classification (germline): Uncertain significance (1 of 4 stars; one submission).

Conditions:
Shprintzen-Goldberg syndrome (SGS). Also called: Marfanoid disorder with craniosynostosis type 1; Marfanoid craniosynostosis syndrome; Shprintzen-Goldberg marfanoid syndrome; SHPRINTZEN-GOLDBERG CRANIOSYNOSTOSIS SYNDROME; CRANIOSYNOSTOSIS WITH ARACHNODACTYLY AND ABDOMINAL HERNIAS. Identifiers: Orphanet 2462, MedGen C1321551, MONDO:0008426, OMIM 182212.

Submission:

Labcorp Genetics (formerly Invitae), Labcorp
Classification: Uncertain significance for Shprintzen-Goldberg syndrome. Last evaluated: 2024-09-12. Review status: criteria provided, single submitter. Criteria: Invitae Variant Classification Sherloc (09022015). Collection method: clinical testing. Allele origin: germline.
Comment: This sequence change replaces lysine, which is basic and polar, with glutamic acid, which is acidic and polar, at codon 351 of the SKI protein (p.Lys351Glu). This variant is not present in population databases (gnomAD no frequency). This variant has not been reported in the literature in individuals affected with SKI-related conditions. Invitae Evidence Modeling of protein sequence and biophysical properties (such as structural, functional, and spatial information, amino acid conservation, physicochemical variation, residue mobility, and thermodynamic stability) has been performed for this missense variant. However, the output from this modeling did not meet the statistical confidence thresholds required to predict the impact of this variant on SKI protein function. In summary, the available evidence is currently insufficient to determine the role of this variant in disease. Therefore, it has been classified as a Variant of Uncertain Significance.